The following is an entry in ClinVar:

NM_182914.3(SYNE2):c.11704A>G (p.Met3902Val)

Gene: SYNE2 (spectrin repeat containing nuclear envelope protein 2; plus strand). Cytogenetic location: 14q23.2.
Variant type: single nucleotide variant.
Coding change: c.11704A>G on transcript NM_182914.3 (MANE Select); coding-DNA position 11704, A replaced by G.
Protein change: p.Met3902Val; replaces methionine 3902 with valine.
Molecular consequence: missense variant.
Genome position (GRCh38, 1-based): chr14:64,089,607, A>G. VCF-style: chr14-64089607-A-G. GRCh37 (hg19) VCF-style: chr14-64556325-A-G.
Other names: c.11704A>G, p.Met3902Val (NM_015180.6); short protein forms M3902V.
Identifiers: ClinVar variation 961948 (VCV000961948.10), dbSNP rs909725905, ClinGen allele CA389947571.

ClinVar aggregate classification (germline): Uncertain significance (1 of 4 stars; one submission).

Conditions:
Emery-Dreifuss muscular dystrophy 5, autosomal dominant (EDMD5). Also called: EMERY-DREIFUSS MUSCULAR DYSTROPHY 5. Identifiers: Orphanet 261, MedGen C2751805, MONDO:0013072, OMIM 612999.

Allele frequency attached by ClinVar (database versions not stated): TOPMed 0.00002.
gnomAD v4.1: 5 of 1,610,554 alleles (0.00031%); highest among the groups gnomAD compares: East Asian, 0.0045%; no homozygotes.

Submission:

Labcorp Genetics (formerly Invitae), Labcorp
Classification: Uncertain significance for Emery-Dreifuss muscular dystrophy 5, autosomal dominant. Last evaluated: 2025-09-19. Review status: criteria provided, single submitter. Criteria: Invitae Variant Classification Sherloc (09022015). Collection method: clinical testing. Allele origin: germline.
Comment: This sequence change replaces methionine, which is neutral and non-polar, with valine, which is neutral and non-polar, at codon 3902 of the SYNE2 protein (p.Met3902Val). The frequency data for this variant in the population databases is considered unreliable, as metrics indicate poor data quality at this position in the gnomAD database. This variant has not been reported in the literature in individuals affected with SYNE2-related conditions. ClinVar contains an entry for this variant (Variation ID: 961948). An algorithm developed to predict the effect of missense changes on protein structure and function outputs the following: PolyPhen-2: "Benign". The valine amino acid residue is found in multiple mammalian species, which suggests that this missense change does not adversely affect protein function. In summary, the available evidence is currently insufficient to determine the role of this variant in disease. Therefore, it has been classified as a Variant of Uncertain Significance.